The following is an entry in ClinVar:

ClinVar aggregate classification (germline): Benign/Likely benign. Review status: criteria provided, multiple submitters, no conflicts (2 of 4 stars). 3 submissions from 3 submitters: Benign (1); Likely benign (2). Last evaluated 2025-01-20.

Conditions:
Prostate cancer, hereditary, 9 (HPC9). Identifiers: Orphanet 1331, MedGen C1970250, MONDO:0012597, OMIM 610997.
Hereditary cancer-predisposing syndrome. Also called: Neoplastic Syndromes, Hereditary; Tumor predisposition; Hereditary Cancer Syndrome; Hereditary neoplastic syndrome. Identifiers: Orphanet 140162, MedGen C0027672, MeSH D009386, MONDO:0015356.

gnomAD v4.1: 4 of 1,614,148 alleles (0.00025%); highest among the groups gnomAD compares: Non-Finnish European, 0.00034%; no homozygotes.

Submissions (3):

Labcorp Genetics (formerly Invitae), Labcorp
Classification: Likely benign. Last evaluated: 2025-01-20. Review status: criteria provided, single submitter. Criteria: Invitae Variant Classification Sherloc (09022015). Collection method: clinical testing. Allele origin: germline.

Myriad Genetics, Inc.
Classification: Benign for Prostate cancer, hereditary, 9. Last evaluated: 2024-10-29. Review status: criteria provided, single submitter. Criteria: Myriad Autosomal Dominant, Autosomal Recessive and X-Linked Classification Criteria (2023). Collection method: clinical testing. Allele origin: unknown.
Comment: This variant is considered benign. This variant is a silent/synonymous amino acid change and it is not expected to impact splicing.

Ambry Genetics
Classification: Likely benign for Hereditary cancer-predisposing syndrome. Last evaluated: 2020-10-03. Review status: criteria provided, single submitter. Criteria: Ambry Variant Classification Scheme 2023. Collection method: clinical testing. Allele origin: germline.

NM_006361.6(HOXB13):c.324G>T (p.Ala108=)

Gene: HOXB13 (homeobox B13; minus strand). Cytogenetic location: 17q21.32.
Variant type: single nucleotide variant.
Coding change: c.324G>T on transcript NM_006361.6 (MANE Select); coding-DNA position 324, G replaced by T.
Protein change: p.Ala108=; no amino-acid change (alanine 108 retained).
Molecular consequence: synonymous variant.
Genome position (GRCh38, 1-based): chr17:48,728,270, C>A on the plus strand (G>T on the coding strand, the complement: HOXB13 is on the minus strand). VCF-style: chr17-48728270-C-A. GRCh37 (hg19) VCF-style: chr17-46805632-C-A.
Identifiers: ClinVar variation 1729405 (VCV001729405.6), dbSNP rs768311961, ClinGen allele CA500661911.